The following is an entry in ClinVar:

ClinVar aggregate classification (germline): Uncertain significance. Review status: criteria provided, multiple submitters, no conflicts (2 of 4 stars). 4 submissions from 3 submitters: Uncertain significance (4). Last evaluated 2025-05-26.

Conditions:
Familial cutaneous telangiectasia and oropharyngeal predisposition cancer syndrome. Identifiers: Orphanet 313846, MedGen C3281203, MONDO:0013806, OMIM 614564.
Seckel syndrome 1 (SCKL1). Also called: MICROCEPHALIC PRIMORDIAL DWARFISM I. Identifiers: Orphanet 808, MedGen C4551474, MONDO:0008869, OMIM 210600.
Inborn genetic diseases. Identifiers: MedGen C0950123, MeSH D030342.

Allele frequency attached by ClinVar (database versions not stated): gnomAD exomes below 0.00001 and 0.00001; TOPMed below 0.00001; ExAC 0.00001; gnomAD 0.00001.
gnomAD v4.1: 3 of 1,613,190 alleles (0.00019%); highest among the groups gnomAD compares: Admixed American, 0.0017%; no homozygotes.

Submissions (4):

Labcorp Genetics (formerly Invitae), Labcorp
Classification: Uncertain significance. Last evaluated: 2025-05-26. Review status: criteria provided, single submitter. Criteria: Invitae Variant Classification Sherloc (09022015). Collection method: clinical testing. Allele origin: germline.
Comment: This sequence change replaces isoleucine, which is neutral and non-polar, with threonine, which is neutral and polar, at codon 216 of the ATR protein (p.Ile216Thr). This variant is present in population databases (rs776894408, gnomAD 0.003%). This variant has not been reported in the literature in individuals affected with ATR-related conditions. ClinVar contains an entry for this variant (Variation ID: 1447751). An algorithm developed to predict the effect of missense changes on protein structure and function (PolyPhen-2) suggests that this variant is likely to be tolerated. In summary, the available evidence is currently insufficient to determine the role of this variant in disease. Therefore, it has been classified as a Variant of Uncertain Significance.

Genome-Nilou Lab
Classification: Uncertain significance for Seckel syndrome 1. Last evaluated: 2023-02-08. Review status: criteria provided, single submitter. Criteria: ACMG Guidelines, 2015. Collection method: clinical testing. Allele origin: germline.

Genome-Nilou Lab
Classification: Uncertain significance for Familial cutaneous telangiectasia and oropharyngeal predisposition cancer syndrome. Last evaluated: 2023-02-08. Review status: criteria provided, single submitter. Criteria: ACMG Guidelines, 2015. Collection method: clinical testing. Allele origin: germline.

Ambry Genetics
Classification: Uncertain significance for Inborn genetic diseases. Last evaluated: 2021-10-27. Review status: criteria provided, single submitter. Criteria: Ambry Variant Classification Scheme 2023. Collection method: clinical testing. Allele origin: germline.
Comment: The p.I216T variant (also known as c.647T>C), located in coding exon 4 of the ATR gene, results from a T to C substitution at nucleotide position 647. The isoleucine at codon 216 is replaced by threonine, an amino acid with similar properties. This amino acid position is conserved. In addition, the in silico prediction for this alteration is inconclusive. Since supporting evidence is limited at this time, the clinical significance of this alteration remains unclear.

NM_001184.4(ATR):c.647T>C (p.Ile216Thr)

Gene: ATR (ATR checkpoint kinase; minus strand). Cytogenetic location: 3q23.
Variant type: single nucleotide variant.
Coding change: c.647T>C on transcript NM_001184.4 (MANE Select); coding-DNA position 647, T replaced by C.
Protein change: p.Ile216Thr; replaces isoleucine 216 with threonine.
Molecular consequence: missense variant.
Genome position (GRCh38, 1-based): chr3:142,562,755, A>G on the plus strand (T>C on the coding strand, the complement: ATR is on the minus strand). VCF-style: chr3-142562755-A-G. GRCh37 (hg19) VCF-style: chr3-142281597-A-G.
Other names: c.647T>C, p.Ile216Thr (NM_001354579.2); short protein forms I216T.
Identifiers: ClinVar variation 1447751 (VCV001447751.10), dbSNP rs776894408, ClinGen allele CA2650740.
Genomic context (GRCh38, chr3:142,562,755, plus strand): 5'-AGAACACAACCTATCTGCCAAAGTAAGAGTTCTTGCCTTCTAAAAAACACAATTGCAATA[A>G]TACGAGTAAGAACCATTAATAAAGTGACTTCAATAAATTCTAAATTTTGCATACTCATCA-3'
Protein context (NP_001175.2, residues 206-226): EVTLLMVLTR[Ile216Thr]IAIVFFRRQE